The following is an entry in ClinVar:

NM_004944.4(DNASE1L3):c.350A>T (p.Tyr117Phe)

Gene: DNASE1L3 (deoxyribonuclease 1L3; minus strand). Cytogenetic location: 3p14.3.
Variant type: single nucleotide variant.
Coding change: c.350A>T on transcript NM_004944.4 (MANE Select); coding-DNA position 350, A replaced by T.
Protein change: p.Tyr117Phe; replaces tyrosine 117 with phenylalanine.
Molecular consequence: missense variant.
Genome position (GRCh38, 1-based): chr3:58,204,852, T>A on the plus strand (A>T on the coding strand, the complement: DNASE1L3 is on the minus strand). VCF-style: chr3-58204852-T-A. GRCh37 (hg19) VCF-style: chr3-58190579-T-A.
Other names: c.260A>T, p.Tyr87Phe (NM_001256560.2); short protein forms Y117F, Y87F.
Identifiers: ClinVar variation 1520311 (VCV001520311.8), dbSNP rs2107378220, ClinGen allele CA353340170.

ClinVar aggregate classification (germline): Uncertain significance (1 of 4 stars; one submission).

gnomAD v4.1: 1 of 1,614,150 alleles (0.000062%); highest among the groups gnomAD compares: Non-Finnish European, 0.000085%; no homozygotes.

Submission:

Labcorp Genetics (formerly Invitae), Labcorp
Classification: Uncertain significance. Last evaluated: 2021-03-26. Review status: criteria provided, single submitter. Criteria: Invitae Variant Classification Sherloc (09022015). Collection method: clinical testing. Allele origin: germline.
Comment: This sequence change replaces tyrosine with phenylalanine at codon 117 of the DNASE1L3 protein (p.Tyr117Phe). The tyrosine residue is highly conserved and there is a small physicochemical difference between tyrosine and phenylalanine. In summary, the available evidence is currently insufficient to determine the role of this variant in disease. Therefore, it has been classified as a Variant of Uncertain Significance. Algorithms developed to predict the effect of missense changes on protein structure and function are either unavailable or do not agree on the potential impact of this missense change (SIFT: "Deleterious"; PolyPhen-2: "Probably Damaging"; Align-GVGD: "Class C15"). This variant has not been reported in the literature in individuals with DNASE1L3-related conditions. This variant is not present in population databases (ExAC no frequency).